The following is an entry in ClinVar:

ClinVar aggregate classification (germline): Pathogenic (1 of 4 stars; one submission).

Conditions:
Hereditary cancer-predisposing syndrome. Also called: Tumor predisposition; Neoplastic Syndromes, Hereditary; Hereditary neoplastic syndrome; Hereditary Cancer Syndrome. Identifiers: Orphanet 140162, MedGen C0027672, MeSH D009386, MONDO:0015356.

Submission:

Ambry Genetics
Classification: Pathogenic for Hereditary cancer-predisposing syndrome. Last evaluated: 2025-07-28. Review status: criteria provided, single submitter. Criteria: Ambry Variant Classification Scheme 2023. Collection method: clinical testing. Allele origin: germline.
Comment: The c.2036_2040dupTGGCC pathogenic mutation, located in coding exon 4 of the MSH6 gene, results from a duplication of TGGCC at nucleotide position 2036, causing a translational frameshift with a predicted alternate stop codon (p.L681Wfs*6). This variant is considered to be rare based on population cohorts in the Genome Aggregation Database (gnomAD). This alteration is expected to result in loss of function by premature protein truncation or nonsense-mediated mRNA decay. As such, this alteration is interpreted as a disease-causing mutation.

NM_000179.3(MSH6):c.2036_2040dup (p.Leu681fs)

Gene: MSH6 (mutS homolog 6; plus strand). Cytogenetic location: 2p16.3.
Variant type: Duplication.
Coding change: c.2036_2040dup on transcript NM_000179.3 (MANE Select); coding-DNA positions 2036 to 2040, 5 bases duplicated (TGGCC; older notation c.2036_2040dupTGGCC).
Protein change: p.Leu681fs; shifts the reading frame from leucine 681.
Molecular consequence: frameshift variant. On other transcripts: non-coding transcript variant (5), intron variant (2).
Genome position (GRCh38, 1-based): chr2:47,800,019-47,800,023, TGGCC duplicated. VCF-style (leftmost placement, unchanged base first): chr2-47800018-T-TTGGCC. GRCh37 (hg19) VCF-style: chr2-48027157-T-TTGGCC.
Other names: c.2036_2040dup, p.Leu681fs (NM_001406798.1, NM_001406800.1, NM_001406803.1 and 3 more transcripts); c.1511_1515dup, p.Leu506fs (NM_001406799.1, NM_001406806.1, NM_001406807.1); c.1739_1743dup, p.Leu582fs (NM_001406801.1, NM_001406805.1, NM_001406818.1 and 10 more transcripts); c.2132_2136dup, p.Leu713fs (NM_001406802.1, NM_001406795.1); c.1958_1962dup, p.Leu655fs (NM_001406804.1); c.1130_1134dup, p.Leu379fs (NM_001406811.1, NM_001406812.1, NM_001406814.1 and 6 more transcripts); c.2042_2046dup, p.Leu683fs (NM_001406813.1); c.1868_1872dup, p.Leu625fs (NM_001406826.1); and 4 more; short protein forms L379fs, L506fs, L582fs, L655fs, L683fs, L551fs, L713fs, L625fs.
Identifiers: ClinVar variation 4111205 (VCV004111205.1).